The following is an entry in ClinVar:

ClinVar aggregate classification (germline): Likely benign (0 of 4 stars; one submission).

Conditions:
TSEN15-related disorder. Also called: TSEN15-related condition.

Allele frequency attached by ClinVar (database versions not stated): ESP Exome Variant Server 0.00015; ExAC 0.00016; gnomAD 0.00009; TOPMed 0.00011.
gnomAD v4.1: 160 of 1,610,182 alleles (0.0099%); highest among the groups gnomAD compares: Middle Eastern, 0.082%; no homozygotes.

Submission:

PreventionGenetics, part of Exact Sciences
Classification: Likely benign for TSEN15-related condition. Last evaluated: 2019-12-16. Review status: no assertion criteria provided. Collection method: clinical testing. Allele origin: germline.
Comment: This variant is classified as likely benign based on ACMG/AMP sequence variant interpretation guidelines (Richards et al. 2015 PMID: 25741868, with internal and published modifications).

NM_052965.4(TSEN15):c.189G>A (p.Ala63=)

Gene: TSEN15 (tRNA splicing endonuclease subunit 15; plus strand). Cytogenetic location: 1q25.3.
Variant type: single nucleotide variant.
Coding change: c.189G>A on transcript NM_052965.4 (MANE Select); coding-DNA position 189, G replaced by A.
Protein change: p.Ala63=; no amino-acid change (alanine 63 retained).
Molecular consequence: synonymous variant. On other transcripts: non-coding transcript variant (2).
Genome position (GRCh38, 1-based): chr1:184,054,407, G>A. VCF-style: chr1-184054407-G-A. GRCh37 (hg19) VCF-style: chr1-184023541-G-A.
Other names: c.189G>A, p.Ala63= (NM_001127394.4, NM_001300764.2, NM_001300766.2 and 1 more transcripts).
Identifiers: ClinVar variation 3048188 (VCV003048188.2), dbSNP rs138058406, ClinGen allele CA1286768.